The following is an entry in ClinVar:

NM_080425.4(GNAS):c.1058C>T (p.Pro353Leu)

Gene: GNAS (GNAS complex locus; plus strand). Cytogenetic location: 20q13.32.
Variant type: single nucleotide variant.
Coding change: c.1058C>T on transcript NM_080425.4 (MANE Plus Clinical); coding-DNA position 1058, C replaced by T.
Protein change: p.Pro353Leu; replaces proline 353 with leucine.
Molecular consequence: missense variant. On other transcripts: nonsense (2), intron variant (3).
Genome position (GRCh38, 1-based): chr20:58,854,323, C>T. VCF-style: chr20-58854323-C-T. GRCh37 (hg19) VCF-style: chr20-57429378-C-T.
Other names: c.871C>T, p.Gln291Ter (NM_001077490.3, NM_001309883.1); c.1058C>T, p.Pro353Leu (NM_001410913.1); c.*42+13437C>T (NM_016592.5); c.43+13437C>T (NM_001410912.1); c.-39+12448C>T (NM_001309861.2); short protein forms P353L, Q291*.
Identifiers: ClinVar variation 2576156 (VCV002576156.1), dbSNP rs2516378809, ClinGen allele CA409458732.

ClinVar aggregate classification (germline): Uncertain significance (1 of 4 stars; one submission).

Submission:

Institute for Clinical Genetics, University Hospital TU Dresden, University Hospital TU Dresden
Classification: Uncertain significance. Last evaluated: 2023-06-19. Review status: criteria provided, single submitter. Criteria: ACMG Guidelines, 2015. Collection method: clinical testing. Allele origin: paternal.
Comment: PM2_SUP